The following is an entry in ClinVar:

NM_002473.6(MYH9):c.769+6C>T

Gene: MYH9 (myosin heavy chain 9; minus strand). Cytogenetic location: 22q12.3.
Variant type: single nucleotide variant.
Coding change: c.769+6C>T on transcript NM_002473.6 (MANE Select); 6 bases into the intron after coding-DNA position 769, C replaced by T.
Molecular consequence: intron variant.
Genome position (GRCh38, 1-based): chr22:36,321,752, G>A on the plus strand (C>T on the coding strand, the complement: MYH9 is on the minus strand). VCF-style: chr22-36321752-G-A. GRCh37 (hg19) VCF-style: chr22-36717797-G-A.
Identifiers: ClinVar variation 1342078 (VCV001342078.4), dbSNP rs2146364510, ClinGen allele CA2573055004.

ClinVar aggregate classification (germline): Uncertain significance. Review status: criteria provided, multiple submitters, no conflicts (2 of 4 stars). 2 submissions from 2 submitters: Uncertain significance (2). Last evaluated 2024-12-31.

Submissions (2):

Labcorp Genetics (formerly Invitae), Labcorp
Classification: Uncertain significance. Last evaluated: 2024-12-31. Review status: criteria provided, single submitter. Criteria: Invitae Variant Classification Sherloc (09022015). Collection method: clinical testing. Allele origin: germline.
Comment: This sequence change falls in intron 7 of the MYH9 gene. It does not directly change the encoded amino acid sequence of the MYH9 protein. It affects a nucleotide within the consensus splice site. This variant is not present in population databases (gnomAD no frequency). This variant has not been reported in the literature in individuals affected with MYH9-related conditions. ClinVar contains an entry for this variant (Variation ID: 1342078). Variants that disrupt the consensus splice site are a relatively common cause of aberrant splicing (PMID: 17576681, 9536098). Algorithms developed to predict the effect of sequence changes on RNA splicing suggest that this variant may disrupt the consensus splice site. In summary, the available evidence is currently insufficient to determine the role of this variant in disease. Therefore, it has been classified as a Variant of Uncertain Significance.

GeneDx
Classification: Uncertain significance. Last evaluated: 2022-02-18. Review status: criteria provided, single submitter. Criteria: GeneDx Variant Classification Process June 2021. Collection method: clinical testing. Allele origin: germline. Affected: yes.
Comment: Not observed in large population cohorts (gnomAD); In silico analysis supports a deleterious effect on splicing; Has not been previously published as pathogenic or benign to our knowledge

Literature cited by the submitters: PubMed 17576681 (cited by Labcorp Genetics (formerly Invitae), Labcorp); PubMed 9536098 (cited by Labcorp Genetics (formerly Invitae), Labcorp).